The following is an entry in ClinVar:

ClinVar aggregate classification (germline): Uncertain significance. Review status: criteria provided, multiple submitters, no conflicts (2 of 4 stars). 2 submissions from 2 submitters: Uncertain significance (2). Last evaluated 2022-07-12.

Conditions:
Developmental and epileptic encephalopathy, 21 (DEE21). Also called: Early infantile epileptic encephalopathy 21. Identifiers: Orphanet 442835, MedGen C4014430, MONDO:0014360, OMIM 615833.

Allele frequency attached by ClinVar (database versions not stated): gnomAD 0.00004; TOPMed 0.00004.
gnomAD v4.1: 59 of 1,606,138 alleles (0.0037%); highest among the groups gnomAD compares: Non-Finnish European, 0.0047%; no homozygotes.

Submissions (2):

Labcorp Genetics (formerly Invitae), Labcorp
Classification: Uncertain significance for Developmental and epileptic encephalopathy, 21. Last evaluated: 2022-07-12. Review status: criteria provided, single submitter. Criteria: Invitae Variant Classification Sherloc (09022015). Collection method: clinical testing. Allele origin: germline.
Comment: This sequence change replaces proline, which is neutral and non-polar, with leucine, which is neutral and non-polar, at codon 190 of the NECAP1 protein (p.Pro190Leu). This variant is present in population databases (rs764080699, gnomAD 0.005%). This variant has not been reported in the literature in individuals affected with NECAP1-related conditions. ClinVar contains an entry for this variant (Variation ID: 1005148). Algorithms developed to predict the effect of missense changes on protein structure and function are either unavailable or do not agree on the potential impact of this missense change (SIFT: "Deleterious"; PolyPhen-2: "Benign"; Align-GVGD: "Class C25"). In summary, the available evidence is currently insufficient to determine the role of this variant in disease. Therefore, it has been classified as a Variant of Uncertain Significance.

Mayo Clinic Laboratories, Mayo Clinic
Classification: Uncertain significance. Last evaluated: 2020-01-09. Review status: criteria provided, single submitter. Criteria: ACMG Guidelines, 2015. Collection method: clinical testing. Allele origin: germline. Observed: 1 variant allele.

NM_015509.4(NECAP1):c.569C>T (p.Pro190Leu)

Gene: NECAP1 (NECAP endocytosis associated 1; plus strand). Cytogenetic location: 12p13.31.
Variant type: single nucleotide variant.
Coding change: c.569C>T on transcript NM_015509.4 (MANE Select); coding-DNA position 569, C replaced by T.
Protein change: p.Pro190Leu; replaces proline 190 with leucine.
Molecular consequence: missense variant. On other transcripts: non-coding transcript variant (1).
Genome position (GRCh38, 1-based): chr12:8,092,948, C>T. VCF-style: chr12-8092948-C-T. GRCh37 (hg19) VCF-style: chr12-8245544-C-T.
Other names: short protein forms P190L.
Identifiers: ClinVar variation 1005148 (VCV001005148.10), dbSNP rs764080699, ClinGen allele CA6432304.
Genomic context (GRCh38, chr12:8,092,948, plus strand): 5'-AAGGAGGTGCTTCTAAGCCCAGGACTGCAAGGGGTGGGGGTCTGAGCTTACTCCCACCCC[C>T]GCCAGGAGGCAAAGTCACTATTCCCCCACCATCCTCCTCAGTTGCCATCAGCAATCATGT-3'
Protein context (NP_056324.2, residues 180-200): RGGGLSLLPP[Pro190Leu]PGGKVTIPPP